The following is an entry in ClinVar:

NM_005026.5(PIK3CD):c.2599G>T (p.Ala867Ser)

Gene: PIK3CD (phosphatidylinositol-4,5-bisphosphate 3-kinase catalytic subunit delta; plus strand). Cytogenetic location: 1p36.22.
Variant type: single nucleotide variant.
Coding change: c.2599G>T on transcript NM_005026.5 (MANE Select); coding-DNA position 2599, G replaced by T.
Protein change: p.Ala867Ser; replaces alanine 867 with serine.
Molecular consequence: missense variant.
Genome position (GRCh38, 1-based): chr1:9,723,973, G>T. VCF-style: chr1-9723973-G-T. GRCh37 (hg19) VCF-style: chr1-9784031-G-T.
Other names: c.2596G>T, p.Ala866Ser (NM_001350234.2); c.2512G>T, p.Ala838Ser (NM_001350235.1); short protein forms A838S, A866S, A867S.
Identifiers: ClinVar variation 1006352 (VCV001006352.9), dbSNP rs1371422939, ClinGen allele CA338307555.

ClinVar aggregate classification (germline): Uncertain significance (1 of 4 stars; one submission).

Conditions:
Immunodeficiency 14 (IMD14A). Also called: ACTIVATED PI3K-DELTA SYNDROME 1; IMMUNODEFICIENCY 14A WITH LYMPHOPROLIFERATION, AUTOSOMAL DOMINANT; Activated PI3K Delta Syndrome Type 1 (APDS1); p110-DELTA-ACTIVATING MUTATION CAUSING SENESCENT T CELLS, LYMPHADENOPATHY, AND IMMUNODEFICIENCY. Identifiers: Orphanet 397596, Orphanet 693661, MedGen C5907821, MONDO:0014222, OMIM 615513.

gnomAD v4.1: 2 of 1,614,088 alleles (0.00012%); highest among the groups gnomAD compares: Non-Finnish European, 0.00017%; no homozygotes.

Submission:

Labcorp Genetics (formerly Invitae), Labcorp
Classification: Uncertain significance for Activated PI3K-delta syndrome. Last evaluated: 2022-08-09. Review status: criteria provided, single submitter. Criteria: Invitae Variant Classification Sherloc (09022015). Collection method: clinical testing. Allele origin: germline.
Comment: ClinVar contains an entry for this variant (Variation ID: 1006352). This variant has not been reported in the literature in individuals affected with PIK3CD-related conditions. This variant is not present in population databases (gnomAD no frequency). This sequence change replaces alanine, which is neutral and non-polar, with serine, which is neutral and polar, at codon 867 of the PIK3CD protein (p.Ala867Ser). In summary, the available evidence is currently insufficient to determine the role of this variant in disease. Therefore, it has been classified as a Variant of Uncertain Significance. Algorithms developed to predict the effect of missense changes on protein structure and function are either unavailable or do not agree on the potential impact of this missense change (SIFT: "Tolerated"; PolyPhen-2: "Possibly Damaging"; Align-GVGD: "Class C0").